The following is an entry in ClinVar:

NM_000228.3(LAMB3):c.3068G>A (p.Arg1023Gln)

Gene: LAMB3 (laminin subunit beta 3; minus strand). Cytogenetic location: 1q32.2.
Variant type: single nucleotide variant.
Coding change: c.3068G>A on transcript NM_000228.3 (MANE Select); coding-DNA position 3068, G replaced by A.
Protein change: p.Arg1023Gln; replaces arginine 1023 with glutamine.
Molecular consequence: missense variant.
Genome position (GRCh38, 1-based): chr1:209,617,570, C>T on the plus strand (G>A on the coding strand, the complement: LAMB3 is on the minus strand). VCF-style: chr1-209617570-C-T. GRCh37 (hg19) VCF-style: chr1-209790915-C-T.
Other names: c.3068G>A, p.Arg1023Gln (NM_001017402.2, NM_001127641.1); short protein forms R1023Q.
Identifiers: ClinVar variation 295071 (VCV000295071.7), dbSNP rs147527725, ClinGen allele CA1374978.

ClinVar aggregate classification (germline): Uncertain significance. Review status: criteria provided, multiple submitters, no conflicts (2 of 4 stars). 3 submissions from 3 submitters: Uncertain significance (3). Last evaluated 2025-09-29.

Conditions:
Junctional epidermolysis bullosa gravis of Herlitz. Also called: JEB-HERLITZ TYPE; EPIDERMOLYSIS BULLOSA JUNCTIONALIS, HERLITZ TYPE; EPIDERMOLYSIS BULLOSA, JUNCTIONAL, HERLITZ-PEARSON TYPE; Epidermolysis Bullosa Letalis; EPIDERMOLYSIS BULLOSA, JUNCTIONAL 1B, SEVERE; Herlitz-type junctional epidermolysis bullosa. Identifiers: Orphanet 79404, MedGen C0079683, MONDO:0009182, OMIM 226700.
Junctional epidermolysis bullosa, non-Herlitz type. Also called: EPIDERMOLYSIS BULLOSA JUNCTIONALIS, DISENTIS TYPE; EPIDERMOLYSIS BULLOSA JUNCTIONALIS, NON-HERLITZ TYPE; EPIDERMOLYSIS BULLOSA JUNCTIONALIS, PROGRESSIVE; EPIDERMOLYSIS BULLOSA JUNCTIONALIS, SEVERE NONLETHAL; Adult junctional epidermolysis bullosa; COL17A1-Related Junctional Epidermolysis Bullosa. Identifiers: Orphanet 251393, Orphanet 79402, Orphanet 79405, Orphanet 89840, MedGen C0268374, MONDO:0009180, OMIM 226650.
Amelogenesis imperfecta type 1A. Also called: Amelogenesis imperfecta local hypoplastic; Amelogenesis imperfecta, hypoplastic type; Amelogenesis imperfecta, type IA; AMELOGENESIS IMPERFECTA, HYPOPLASTIC TYPE IA. Identifiers: Orphanet 88661, MedGen C4011403, MONDO:0007094, OMIM 104530.
Junctional epidermolysis bullosa. Identifiers: Orphanet 305, MedGen C0079301, MONDO:0017612.
LAMB3-related disorder. Also called: LAMB3-related condition.

Allele frequency attached by ClinVar (database versions not stated): ExAC 0.00021; gnomAD 0.00022 and 0.00024; ESP Exome Variant Server 0.00023; gnomAD exomes 0.00023 and 0.00030; TOPMed 0.00028; 1000 Genomes Project 0.00060; 1000 Genomes Project 30x 0.00062.
gnomAD v4.1: 470 of 1,613,986 alleles (0.029%); highest among the groups gnomAD compares: Admixed American, 0.05%; no homozygotes.

Submissions (3):

PreventionGenetics, part of Exact Sciences
Classification: Uncertain significance for LAMB3-related condition. Last evaluated: 2025-09-29. Review status: criteria provided, single submitter. Criteria: ACMG Guidelines, 2015. Collection method: clinical testing. Allele origin: germline.
Comment: The LAMB3 c.3068G>A variant is predicted to result in the amino acid substitution p.Arg1023Gln. To our knowledge, this variant has not been reported in the literature. This variant is reported in 0.056% of alleles in individuals of Latino descent in gnomAD, which is likely too common for an undocumented disease-causing variant. Although we suspect that this variant may be benign, at this time, the clinical significance of this variant is uncertain due to the absence of conclusive functional and genetic evidence.

Department of Pathology and Laboratory Medicine, Sinai Health System
Classification: Uncertain significance for Amelogenesis imperfecta type 1A; Junctional epidermolysis bullosa, non-Herlitz type; Junctional epidermolysis bullosa gravis of Herlitz. Last evaluated: 2020-06-25. Review status: criteria provided, single submitter. Criteria: ACMG Guidelines, 2015. Collection method: research. Allele origin: germline.

Illumina Laboratory Services, Illumina
Classification: Uncertain significance for Junctional epidermolysis bullosa. Last evaluated: 2018-01-13. Review status: criteria provided, single submitter. Criteria: ICSL Variant Classification Criteria 13 December 2019. Collection method: clinical testing. Allele origin: germline.